The following is an entry in ClinVar:

NM_000070.3(CAPN3):c.1118G>A (p.Trp373Ter)

Gene: CAPN3 (calpain 3; plus strand). Cytogenetic location: 15q15.1.
Variant type: single nucleotide variant.
Coding change: c.1118G>A on transcript NM_000070.3 (MANE Select); coding-DNA position 1118, G replaced by A.
Protein change: p.Trp373Ter; replaces tryptophan 373 with a stop codon.
Molecular consequence: nonsense.
Genome position (GRCh38, 1-based): chr15:42,396,802, G>A. VCF-style: chr15-42396802-G-A. GRCh37 (hg19) VCF-style: chr15-42689000-G-A.
Other names: c.1118G>A, p.Trp373Ter (NM_024344.2); c.974G>A, p.Trp325Ter (NM_173087.2); short protein forms W373*, W325*.
Identifiers: ClinVar variation 497833 (VCV000497833.11), dbSNP rs1555421523, ClinGen allele CA391999114.

ClinVar aggregate classification (germline): Pathogenic. Review status: criteria provided, multiple submitters, no conflicts (2 of 4 stars). 5 submissions from 5 submitters: Pathogenic (4). 1 of the submissions does not count toward it. Last evaluated 2025-07-21.

Conditions:
Autosomal recessive limb-girdle muscular dystrophy type 2A (LGMDR1). Also called: LEYDEN-MOEBIUS MUSCULAR DYSTROPHY; MUSCULAR DYSTROPHY, PELVOFEMORAL; Limb-girdle muscular dystrophy, type 2A; Calpainopathy; Muscular dystrophy, limb-girdle, type 2A, Amish. Identifiers: Orphanet 267, MedGen C1869123, MONDO:0009675, OMIM 253600. Disease mechanism: loss of function.
Muscular dystrophy, limb-girdle, autosomal dominant 4. Also called: MUSCULAR DYSTROPHY, LIMB-GIRDLE, TYPE 1I; Calpain-3-related limb-girdle muscular dystrophy D4. Identifiers: Orphanet 565909, MedGen C4748295, MONDO:0029133, OMIM 618129.

Submissions (5):

Revvity Omics, Revvity
Classification: Pathogenic. Last evaluated: 2025-07-21. Review status: criteria provided, single submitter. Criteria: ACMG Guidelines, 2015. Collection method: clinical testing. Allele origin: germline.

Fulgent Genetics
Classification: Pathogenic for Autosomal recessive limb-girdle muscular dystrophy type 2A; Muscular dystrophy, limb-girdle, autosomal dominant 4. Last evaluated: 2024-05-08. Review status: criteria provided, single submitter. Criteria: ACMG Guidelines, 2015. Collection method: clinical testing. Allele origin: germline.

Natera, Inc.
Classification: Pathogenic for Limb-girdle muscular dystrophy type 2A. Last evaluated: 2024-03-21. Review status: criteria provided, single submitter. Criteria: Natera Variant Classification Schema (03/2026). Collection method: clinical testing. Allele origin: germline.
Comment: The c.1118G>A variant in CAPN3 is a nonsense variant predicted to introduce a stop codon at amino acid 373. This variant is expected to result in nonsense mediated decay, truncation, or a dysfunctional protein product. This variant is rare in the general population with a frequency below the threshold expected for the associated phenotype(s). This variant has been observed in one or more individuals affected with the associated recessive disease, as either homozygous or compound heterozygous with a second variant (PMID: 27363342). Given the available evidence, this variant is classified as Pathogenic.

Eurofins Ntd Llc (ga)
Classification: Pathogenic. Last evaluated: 2016-10-10. Review status: criteria provided, single submitter. Criteria: EGL Classification Definitions 2015. Collection method: clinical testing. Allele origin: germline. Observed: 1 variant allele, 1 heterozygote.

Department of Rehabilitation Medicine, Incheon St. Mary’s Hospital, College of Medicine, The Catholic University of Korea
Classification: Pathogenic for Autosomal recessive limb-girdle muscular dystrophy type 2A. Last evaluated: 2019-02-11. Review status: no assertion criteria provided. Collection method: research. Allele origin: unknown. Inheritance: Autosomal recessive inheritance. Affected: yes. Observed: 1 compound heterozygote. Not counted in ClinVar's aggregate classification.

Literature cited by the submitters: PubMed 27363342 (cited by Natera, Inc.).